The following is an entry in ClinVar:

ClinVar aggregate classification (germline): Uncertain significance. Review status: criteria provided, multiple submitters, no conflicts (2 of 4 stars). 2 submissions from 2 submitters: Uncertain significance (2). Last evaluated 2025-03-05.

Conditions:
Tumor predisposition syndrome 3 (TPDS3). Also called: Glioma susceptibility 9; LONG TELOMERE SYNDROME, POT1-RELATED; POT1 Tumor Predisposition; Melanoma, cutaneous malignant, susceptibility to, 10. Identifiers: Orphanet 618, MedGen C4014476, MONDO:0014368, OMIM 615848.
Hereditary cancer-predisposing syndrome. Also called: Tumor predisposition; Neoplastic Syndromes, Hereditary; Hereditary Cancer Syndrome; Hereditary neoplastic syndrome. Identifiers: Orphanet 140162, MedGen C0027672, MeSH D009386, MONDO:0015356.

Submissions (2):

Ambry Genetics
Classification: Uncertain significance for Hereditary cancer-predisposing syndrome. Last evaluated: 2025-03-05. Review status: criteria provided, single submitter. Criteria: Ambry Variant Classification Scheme 2023. Collection method: clinical testing. Allele origin: germline.
Comment: The p.A570V variant (also known as c.1709C>T), located in coding exon 14 of the POT1 gene, results from a C to T substitution at nucleotide position 1709. The alanine at codon 570 is replaced by valine, an amino acid with similar properties. This amino acid position is highly conserved in available vertebrate species. In addition, the in silico prediction for this alteration is inconclusive. Based on the available evidence, the clinical significance of this variant remains unclear.

Labcorp Genetics (formerly Invitae), Labcorp
Classification: Uncertain significance for Tumor predisposition syndrome 3. Last evaluated: 2023-03-14. Review status: criteria provided, single submitter. Criteria: Invitae Variant Classification Sherloc (09022015). Collection method: clinical testing. Allele origin: germline.
Comment: In summary, the available evidence is currently insufficient to determine the role of this variant in disease. Therefore, it has been classified as a Variant of Uncertain Significance. Advanced modeling of protein sequence and biophysical properties (such as structural, functional, and spatial information, amino acid conservation, physicochemical variation, residue mobility, and thermodynamic stability) performed at Invitae indicates that this missense variant is not expected to disrupt POT1 protein function. This sequence change replaces alanine, which is neutral and non-polar, with valine, which is neutral and non-polar, at codon 570 of the POT1 protein (p.Ala570Val). This variant is not present in population databases (gnomAD no frequency). This variant has not been reported in the literature in individuals affected with POT1-related conditions. ClinVar contains an entry for this variant (Variation ID: 1778506).

NM_015450.3(POT1):c.1709C>T (p.Ala570Val)

Gene: POT1 (protection of telomeres 1; minus strand). Cytogenetic location: 7q31.33.
Variant type: single nucleotide variant.
Coding change: c.1709C>T on transcript NM_015450.3 (MANE Select); coding-DNA position 1709, C replaced by T.
Protein change: p.Ala570Val; replaces alanine 570 with valine.
Molecular consequence: missense variant. On other transcripts: non-coding transcript variant (3).
Genome position (GRCh38, 1-based): chr7:124,825,335, G>A on the plus strand (C>T on the coding strand, the complement: POT1 is on the minus strand). VCF-style: chr7-124825335-G-A. GRCh37 (hg19) VCF-style: chr7-124465389-G-A.
Other names: c.1316C>T, p.Ala439Val (NM_001042594.2); short protein forms A439V, A570V.
Identifiers: ClinVar variation 1778506 (VCV001778506.5), dbSNP rs2485338502, ClinGen allele CA369062491.
Genomic context (GRCh38, chr7:124,825,335, plus strand): 5'-AACATATCCATGATCATATCCACACTTTTCTGAAGGTCATCATCCATCAGAACTTCTGAT[G>A]CTGGAATCTGGAAGAATTTGTCCTTAAAAATGTTTCATGAGAGAAAAAAAAAGGAAATAA-3'
Protein context (NP_056265.2, residues 560-580): MDSDKFFQIP[Ala570Val]SEVLMDDDLQ